The following is an entry in ClinVar:

ClinVar aggregate classification (germline): Pathogenic (1 of 4 stars; one submission).

Conditions:
Autosomal recessive nonsyndromic hearing loss 30. Identifiers: Orphanet 90636, MedGen C1846784, MONDO:0011774, OMIM 607101.

Submission:

Women's Health and Genetics/Laboratory Corporation of America, LabCorp
Classification: Pathogenic for Autosomal recessive nonsyndromic hearing loss 30. Last evaluated: 2026-01-02. Review status: criteria provided, single submitter. Criteria: LabCorp Variant Classification Summary - May 2015. Collection method: clinical testing. Allele origin: germline.
Comment: Variant summary: The variant involves the deletion of exon 30 in the MYO3A gene. A presumed nomenclature of c.(3398+1_3399-1)_(4293+1_4294-1)del has been designated for the purposes of this classification. This Copy Number Variant (CNV) is expected to alter the reading frame and predicted to result in a truncation or absence of the encoded protein due to nonsense mediated decay (NMD). Loss-of-function variants in this gene are known to be pathogenic. The variant allele was found at a frequency of 0.00023 in 21694 control chromosomes. To our knowledge, no occurrence of c.(3398+1_3399-1)_(4293+1_4294-1)del in individuals affected with MYO3A-related conditions and no experimental evidence demonstrating its impact on protein function have been reported. ClinVar contains an entry for this variant (Variation ID: 1460150). Based on the evidence outlined above, the variant was classified as pathogenic.

NC_000010.10:g.(26459469_26462591)_(26463487_26465629)del

Gene: MYO3A (myosin IIIA; plus strand). Cytogenetic location: 10p12.1.
Variant type: Deletion.
Identifiers: ClinVar variation 4689703 (VCV004689703.1).